The following is an entry in ClinVar:

ClinVar aggregate classification (germline): Uncertain significance. Review status: criteria provided, multiple submitters, no conflicts (2 of 4 stars). 3 submissions from 3 submitters: Uncertain significance (3). Last evaluated 2026-08-03.

Conditions:
Cardiovascular phenotype. Identifiers: MedGen CN230736.
Walker-Warburg congenital muscular dystrophy. Also called: Muscular dystrophy-dystroglycanopathy, type A; Walker-Warburg syndrome. Identifiers: Orphanet 899, MedGen C0265221, MONDO:0000171.

Allele frequency attached by ClinVar (database versions not stated): ExAC 0.00002; gnomAD exomes 0.00006 and 0.00001.
gnomAD v4.1: 81 of 1,611,186 alleles (0.005%); highest among the groups gnomAD compares: Non-Finnish European, 0.0069%; no homozygotes.

Submissions (3):

Ambry Genetics
Classification: Uncertain significance for Cardiovascular phenotype. Last evaluated: 2026-08-03. Review status: criteria provided, single submitter. Criteria: Ambry Variant Classification Scheme 2023. Collection method: clinical testing. Allele origin: germline.
Comment: The p.V20A variant (also known as c.59T>C), located in coding exon 1 of the FKRP gene, results from a T to C substitution at nucleotide position 59. The valine at codon 20 is replaced by alanine, an amino acid with similar properties. This amino acid position is conserved. In addition, the in silico prediction for this alteration is inconclusive. Based on the available evidence, the clinical significance of this variant remains unclear.

Revvity Omics, Revvity
Classification: Uncertain significance. Last evaluated: 2022-08-10. Review status: criteria provided, single submitter. Criteria: ACMG Guidelines, 2015. Collection method: clinical testing. Allele origin: germline.

Labcorp Genetics (formerly Invitae), Labcorp
Classification: Uncertain significance for Walker-Warburg congenital muscular dystrophy. Last evaluated: 2022-07-06. Review status: criteria provided, single submitter. Criteria: Invitae Variant Classification Sherloc (09022015). Collection method: clinical testing. Allele origin: germline.
Comment: This sequence change replaces valine, which is neutral and non-polar, with alanine, which is neutral and non-polar, at codon 20 of the FKRP protein (p.Val20Ala). This variant is present in population databases (rs750241299, gnomAD 0.002%). This variant has not been reported in the literature in individuals affected with FKRP-related conditions. ClinVar contains an entry for this variant (Variation ID: 971112). Algorithms developed to predict the effect of missense changes on protein structure and function are either unavailable or do not agree on the potential impact of this missense change (SIFT: "Deleterious"; PolyPhen-2: "Benign"; Align-GVGD: "Class C0"). In summary, the available evidence is currently insufficient to determine the role of this variant in disease. Therefore, it has been classified as a Variant of Uncertain Significance.

NM_024301.5(FKRP):c.59T>C (p.Val20Ala)

Gene: FKRP (fukutin related protein; plus strand). Cytogenetic location: 19q13.32.
Variant type: single nucleotide variant.
Coding change: c.59T>C on transcript NM_024301.5 (MANE Select); coding-DNA position 59, T replaced by C.
Protein change: p.Val20Ala; replaces valine 20 with alanine.
Molecular consequence: missense variant.
Genome position (GRCh38, 1-based): chr19:46,755,509, T>C. VCF-style: chr19-46755509-T-C. GRCh37 (hg19) VCF-style: chr19-47258766-T-C.
Other names: c.59T>C, p.Val20Ala (NM_001039885.3); short protein forms V20A.
Identifiers: ClinVar variation 971112 (VCV000971112.11), dbSNP rs750241299, ClinGen allele CA9532102.